The following is an entry in ClinVar:

ClinVar aggregate classification (germline): Uncertain significance (1 of 4 stars; one submission).

Conditions:
Hereditary cancer-predisposing syndrome. Also called: Neoplastic Syndromes, Hereditary; Tumor predisposition; Hereditary Cancer Syndrome; Hereditary neoplastic syndrome. Identifiers: Orphanet 140162, MedGen C0027672, MeSH D009386, MONDO:0015356.

Submission:

Ambry Genetics
Classification: Uncertain significance for Hereditary cancer-predisposing syndrome. Last evaluated: 2026-07-02. Review status: criteria provided, single submitter. Criteria: Ambry Variant Classification Scheme 2023. Collection method: clinical testing. Allele origin: germline.
Comment: The p.A388T variant (also known as c.1162G>A), located in coding exon 12 of the NF2 gene, results from a G to A substitution at nucleotide position 1162. The alanine at codon 388 is replaced by threonine, an amino acid with similar properties. This amino acid position is conserved. In addition, the in silico prediction for this alteration is inconclusive. Based on the available evidence, the clinical significance of this variant remains unclear.

NM_000268.4(NF2):c.1162G>A (p.Ala388Thr)

Gene: NF2 (NF2, moesin-ezrin-radixin like (MERLIN) tumor suppressor; plus strand). Cytogenetic location: 22q12.2.
Variant type: single nucleotide variant.
Coding change: c.1162G>A on transcript NM_000268.4 (MANE Select); coding-DNA position 1162, G replaced by A.
Protein change: p.Ala388Thr; replaces alanine 388 with threonine.
Molecular consequence: missense variant. On other transcripts: intron variant (1).
Genome position (GRCh38, 1-based): chr22:29,673,308, G>A. VCF-style: chr22-29673308-G-A. GRCh37 (hg19) VCF-style: chr22-30069297-G-A.
Other names: c.1048G>A, p.Ala350Thr (NM_001407053.1, NM_001407056.1); c.1039G>A, p.Ala347Thr (NM_001407054.1, NM_001407058.1, NM_181829.3); c.1036G>A, p.Ala346Thr (NM_001407055.1, NM_181828.3); c.1027G>A, p.Ala343Thr (NM_001407057.1, NM_001407059.1); c.1162G>A, p.Ala388Thr (NM_001407060.1, NM_001407066.1, NM_016418.5 and 2 more transcripts); c.904G>A, p.Ala302Thr (NM_001407062.1); c.913G>A, p.Ala305Thr (NM_001407063.1, NM_001407064.1, NM_181830.3 and 1 more transcripts); c.628G>A, p.Ala210Thr (NM_001407065.1); and 2 more; short protein forms A305T, A346T, A388T, A210T, A302T, A350T, A311T, A343T.
Identifiers: ClinVar variation 3299450 (VCV003299450.2).